The following is an entry in ClinVar:

ClinVar aggregate classification (germline): Pathogenic (1 of 4 stars; one submission).

Conditions:
Amelogenesis imperfecta, type 1J (AI1J). Also called: Amelogenesis imperfecta, type IJ. Identifiers: MedGen C4310630, MONDO:0015008, OMIM 617297.

Submission:

Leeds Amelogenesis Imperfecta Research Group, University of Leeds
Classification: Pathogenic for Amelogenesis imperfecta, type 1J. Last evaluated: 2026-01-22. Review status: criteria provided, single submitter. Criteria: ACMG Guidelines, 2015. Collection method: research. Allele origin: biparental. Inheritance: Autosomal recessive inheritance. Affected: yes. Observed: 1 homozygote.
Comment: The NM_033068.3 c.746C>T is a missense variant in ACP4 predicted to result in p.(Pro249Leu). Variants in ACP4 have been previously identified in individuals with amelogenesis imperfecta and published as the cause of disease, with this variant having been reported by Smith et al. 2017 PMID: 28513613, ClinVar record RCV000489871.4. This variant has been identified in 1 UK family of Pakistani heritage in this study and one other family in a previous study RCV000489871.4, with hypoplastic amelogenesis imperfecta (PP4, PS1). No variant segregation was performed due to lack of DNA from family members. This variant is not reported in gnomAD (PM2). CADD (v1.7) analysis showed this variant to have a score of 23.8 (20 indicates that the variant is in the top 1% of most deleterious variants of the genome, 30 indicates that it is in the top 0.1%). Aggregated score on Franklin shows this variant’s score to be Pathogenic supporting PP3 In summary, this variant meets criteria to be classified as pathogenic for amelogenesis imperfecta based on the ACMG/AMP criteria applied, as specified: PP4, PM3, PM2, PS1, PP5.

Literature cited by the submitters: PubMed 28513613.

NM_033068.3(ACP4):c.746C>T (p.Pro249Leu)

Gene: ACP4 (acid phosphatase 4; plus strand). Cytogenetic location: 19q13.33.
Variant type: single nucleotide variant.
Coding change: c.746C>T on transcript NM_033068.3 (MANE Select); coding-DNA position 746, C replaced by T.
Protein change: p.Pro249Leu; replaces proline 249 with leucine.
Molecular consequence: missense variant.
Genome position (GRCh38, 1-based): chr19:50,793,784, C>T. VCF-style: chr19-50793784-C-T. GRCh37 (hg19) VCF-style: chr19-51297041-C-T.
Other names: short protein forms P249L.
Identifiers: ClinVar variation 375694 (VCV000375694.4), dbSNP rs1085307111, ClinGen allele CA407011517.
Genomic context (GRCh38, chr19:50,793,784, plus strand): 5'-ATGTCCTGCGGACTCTTGCCCAGATCTCGGCTTTGGATATTGGAGCCCACGTGGGCCCAC[C>T]CCGGGCAGCAGAGAAGGCCCAGCTGACAGGGGGTGAGGTGTGGGTCTGGGAGGCTGGGGT-3'
Protein context (NP_149059.1, residues 239-259): ALDIGAHVGP[Pro249Leu]RAAEKAQLTG